The following is an entry in ClinVar:

ClinVar aggregate classification (germline): Uncertain significance (1 of 4 stars; one submission).

Conditions:
Alstrom syndrome (ALMS). Identifiers: Orphanet 64, MedGen C0268425, MONDO:0008763, OMIM 203800.

Submission:

Labcorp Genetics (formerly Invitae), Labcorp
Classification: Uncertain significance for Alstrom syndrome. Last evaluated: 2022-07-10. Review status: criteria provided, single submitter. Criteria: Invitae Variant Classification Sherloc (09022015). Collection method: clinical testing. Allele origin: germline.
Comment: This sequence change replaces serine, which is neutral and polar, with cysteine, which is neutral and slightly polar, at codon 973 of the ALMS1 protein (p.Ser973Cys). In summary, the available evidence is currently insufficient to determine the role of this variant in disease. Therefore, it has been classified as a Variant of Uncertain Significance. Experimental studies and prediction algorithms are not available or were not evaluated, and the functional significance of this variant is currently unknown. This variant has not been reported in the literature in individuals affected with ALMS1-related conditions. This variant is not present in population databases (gnomAD no frequency).

NM_001378454.1(ALMS1):c.2914A>T (p.Ser972Cys)

Gene: ALMS1 (ALMS1 centrosome and basal body associated protein; plus strand). Cytogenetic location: 2p13.1.
Variant type: single nucleotide variant.
Coding change: c.2914A>T on transcript NM_001378454.1 (MANE Select); coding-DNA position 2914, A replaced by T.
Protein change: p.Ser972Cys; replaces serine 972 with cysteine.
Molecular consequence: missense variant.
Genome position (GRCh38, 1-based): chr2:73,449,441, A>T. VCF-style: chr2-73449441-A-T. GRCh37 (hg19) VCF-style: chr2-73676568-A-T.
Other names: c.2917A>T, p.Ser973Cys (NM_015120.4); short protein forms S973C, S972C.
Identifiers: ClinVar variation 2038944 (VCV002038944.4), dbSNP rs1248599344, ClinGen allele CA347272993.